The following is an entry in ClinVar:

NC_000011.10:g.8039694T>C

Gene: TUB (TUB bipartite transcription factor; plus strand). Cytogenetic location: 11p15.4.
Variant type: single nucleotide variant.
Molecular consequence: intron variant (on NM_001440538.1). On other transcripts: splice donor variant (1).
Genome position: GRCh38 VCF-style: chr11-8039694-T-C. GRCh37 (hg19) VCF-style: chr11-8061241-T-C.
Other names: c.56+20336T>C (NM_001440538.1, NM_001440539.1, NM_001440540.1 and 1 more transcripts); c.203+2T>C (NM_003320.5).
Identifiers: ClinVar variation 1502448 (VCV001502448.7), dbSNP rs2133730214, ClinGen allele CA379567362.

ClinVar aggregate classification (germline): Uncertain significance. Review status: criteria provided, multiple submitters, no conflicts (2 of 4 stars). 2 submissions from 2 submitters: Uncertain significance (2). Last evaluated 2022-03-30.

gnomAD v4.1: 12 of 1,531,470 alleles (0.00078%); highest among the groups gnomAD compares: African/African-American, 0.0014%; no homozygotes.

Submissions (2):

Blueprint Genetics
Classification: Uncertain significance. Last evaluated: 2022-03-30. Review status: criteria provided, single submitter. Criteria: ACMG Guidelines, 2015. Collection method: clinical testing. Allele origin: germline.

Labcorp Genetics (formerly Invitae), Labcorp
Classification: Uncertain significance. Last evaluated: 2021-07-20. Review status: criteria provided, single submitter. Criteria: Invitae Variant Classification Sherloc (09022015). Collection method: clinical testing. Allele origin: germline.
Comment: In summary, the available evidence is currently insufficient to determine the role of this variant in disease. Therefore, it has been classified as a Variant of Uncertain Significance. Algorithms developed to predict the effect of sequence changes on RNA splicing suggest that this variant may disrupt the consensus splice site. This variant has not been reported in the literature in individuals affected with TUB-related conditions. This variant is not present in population databases (ExAC no frequency). This sequence change affects a donor splice site in intron 2 of the TUB gene. However, it is currently unclear if variants that occur in this region of the gene cause disease.